The following is an entry in ClinVar:

NM_002860.4(ALDH18A1):c.4T>C (p.Leu2=)

Gene: ALDH18A1 (aldehyde dehydrogenase 18 family member A1; minus strand). Cytogenetic location: 10q24.1.
Variant type: single nucleotide variant.
Coding change: c.4T>C on transcript NM_002860.4 (MANE Select); coding-DNA position 4, T replaced by C.
Protein change: p.Leu2=; no amino-acid change (leucine 2 retained).
Molecular consequence: synonymous variant. On other transcripts: 5 prime UTR variant (4).
Genome position (GRCh38, 1-based): chr10:95,653,374, A>G on the plus strand (T>C on the coding strand, the complement: ALDH18A1 is on the minus strand). VCF-style: chr10-95653374-A-G. GRCh37 (hg19) VCF-style: chr10-97413131-A-G.
Other names: c.4T>C, p.Leu2= (NM_001017423.2, NM_001323413.2, NM_001323414.2 and 2 more transcripts); c.-115T>C (NM_001323412.2, NM_001323416.2, NM_001323418.2); c.-163T>C (NM_001323419.2).
Identifiers: ClinVar variation 1619931 (VCV001619931.39), dbSNP rs755446179, ClinGen allele CA5620716.
Genomic context (GRCh38, chr10:95,653,374, plus strand): 5'-TGACCCAGGGCAGAAGATGTTGGTTGAAGGGCTGGAACCCACAGCGGTAAACTTGACTCA[A>G]CATGCTGCGATGTGGTCACTAACCAAAGTATCTGCAGAATACATTTTTTAAAAAGTGAGT-3'
Protein context (NP_002851.2, residues 1-12): M[Leu2=]SQVYRCGFQP

ClinVar aggregate classification (germline): Likely benign. Review status: criteria provided, multiple submitters, no conflicts (2 of 4 stars). 3 submissions from 3 submitters: Likely benign (3). Last evaluated 2026-07-01.

Conditions:
Cutis laxa, autosomal dominant 3 (ADCL3). Identifiers: Orphanet 90348, MedGen C4225268, MONDO:0014706, OMIM 616603.
de Barsy syndrome. Also called: Cutis laxa-corneal clouding-oligophrenia syndrome. Identifiers: Orphanet 2962, MedGen C0268354, MONDO:0017569.
Autosomal dominant spastic paraplegia type 9. Identifiers: MedGen C1832669, MONDO:0015091.

Allele frequency attached by ClinVar (database versions not stated): TOPMed 0.00003; ExAC 0.00005; gnomAD exomes 0.00005; gnomAD 0.00009 and 0.00010.
gnomAD v4.1: 83 of 1,613,512 alleles (0.0051%); highest among the groups gnomAD compares: Non-Finnish European, 0.0039%; no homozygotes.

Submissions (3):

CeGaT Center for Human Genetics Tuebingen
Classification: Likely benign. Last evaluated: 2026-07-01. Review status: criteria provided, single submitter. Criteria: CeGaT Center For Human Genetics Tuebingen Variant Classification Criteria Version 2. Collection method: clinical testing. Allele origin: germline. Affected: yes. Observed: 5 variant alleles.
Comment: ALDH18A1: BP4, BP7

Labcorp Genetics (formerly Invitae), Labcorp
Classification: Likely benign for Autosomal dominant spastic paraplegia type 9; de Barsy syndrome; Cutis laxa, autosomal dominant 3. Last evaluated: 2025-11-11. Review status: criteria provided, single submitter. Criteria: Invitae Variant Classification Sherloc (09022015). Collection method: clinical testing. Allele origin: germline.

Blueprint Genetics
Classification: Likely benign. Last evaluated: 2024-05-27. Review status: criteria provided, single submitter. Criteria: ACMG Guidelines, 2015. Collection method: clinical testing. Allele origin: germline.